The following is an entry in ClinVar:

NM_005005.3(NDUFB9):c.524G>A (p.Arg175Gln)

Gene: NDUFB9 (NADH:ubiquinone oxidoreductase subunit B9; plus strand). Cytogenetic location: 8q24.13.
Variant type: single nucleotide variant.
Coding change: c.524G>A on transcript NM_005005.3 (MANE Select); coding-DNA position 524, G replaced by A.
Protein change: p.Arg175Gln; replaces arginine 175 with glutamine.
Molecular consequence: missense variant.
Genome position (GRCh38, 1-based): chr8:124,549,876, G>A. VCF-style: chr8-124549876-G-A. GRCh37 (hg19) VCF-style: chr8-125562117-G-A.
Other names: c.356G>A, p.Arg119Gln (NM_001278645.2); c.395G>A, p.Arg132Gln (NM_001278646.2); c.491G>A, p.Arg164Gln (NM_001311168.2); short protein forms R175Q, R119Q, R132Q, R164Q.
Identifiers: ClinVar variation 1355216 (VCV001355216.9), dbSNP rs141607351, ClinGen allele CA4871606.

ClinVar aggregate classification (germline): Uncertain significance. Review status: criteria provided, multiple submitters, no conflicts (2 of 4 stars). 2 submissions from 2 submitters: Uncertain significance (2). Last evaluated 2025-12-23.

Allele frequency attached by ClinVar (database versions not stated): gnomAD exomes 0.00004 and 0.00013; ExAC 0.00017; TOPMed 0.00037; gnomAD 0.00038 and 0.00041; ESP Exome Variant Server 0.00054.
gnomAD v4.1: 127 of 1,614,044 alleles (0.0079%); highest among the groups gnomAD compares: African/African-American, 0.12%; no homozygotes.

Submissions (2):

Labcorp Genetics (formerly Invitae), Labcorp
Classification: Uncertain significance. Last evaluated: 2025-12-23. Review status: criteria provided, single submitter. Criteria: Invitae Variant Classification Sherloc (09022015). Collection method: clinical testing. Allele origin: germline.
Comment: This sequence change replaces arginine, which is basic and polar, with glutamine, which is neutral and polar, at codon 175 of the NDUFB9 protein (p.Arg175Gln). This variant is present in population databases (rs141607351, gnomAD 0.1%), and has an allele count higher than expected for a pathogenic variant. This missense change has been observed in individual(s) with clinical features of NDUFB9-related conditions (PMID: 33057194). ClinVar contains an entry for this variant (Variation ID: 1355216). An algorithm developed to predict the effect of missense changes on protein structure and function (PolyPhen-2) suggests that this variant is likely to be tolerated. In summary, the available evidence is currently insufficient to determine the role of this variant in disease. Therefore, it has been classified as a Variant of Uncertain Significance.

Women's Health and Genetics/Laboratory Corporation of America, LabCorp
Classification: Uncertain significance. Last evaluated: 2025-05-08. Review status: criteria provided, single submitter. Criteria: LabCorp Variant Classification Summary - May 2015. Collection method: clinical testing. Allele origin: germline.
Comment: Variant summary: NDUFB9 c.524G>A (p.Arg175Gln) results in a conservative amino acid change in the encoded protein sequence. Algorithms developed to predict the effect of missense changes on protein structure and function are either unavailable or do not agree on the potential impact of this missense change. The variant allele was found at a frequency of 0.00013 in 251384 control chromosomes. This frequency is not significantly higher than estimated for a pathogenic variant in NDUFB9 causing Mitochondrial Complex 1 Deficiency, Nuclear Type 24, allowing no conclusion about variant significance. c.524G>A has been observed in one individual with developmental disorders (Kaplanis_2020). The report does not provide unequivocal conclusions about association of the variant with Mitochondrial Complex 1 Deficiency, Nuclear Type 24. To our knowledge, no experimental evidence demonstrating an impact on protein function has been reported. The following publications have been ascertained in the context of this evaluation (PMID: 33057194, 35982159). ClinVar contains an entry for this variant (Variation ID: 1355216). Based on the evidence outlined above, the variant was classified as uncertain significance.

Literature cited by the submitters: PubMed 33057194 (cited by Labcorp Genetics (formerly Invitae), Labcorp and Women's Health and Genetics/Laboratory Corporation of America, LabCorp); PubMed 35982159 (cited by Women's Health and Genetics/Laboratory Corporation of America, LabCorp).